The following is an entry in ClinVar:

ClinVar aggregate classification (germline): Uncertain significance (1 of 4 stars; one submission).

Conditions:
Capillary malformation-arteriovenous malformation 2 (CMAVM2). Identifiers: Orphanet 693912, MedGen C4748670, MONDO:0020785, OMIM 618196.

Allele frequency attached by ClinVar (database versions not stated): gnomAD 0.00001.
gnomAD v4.1: 1 of 1,613,914 alleles (0.000062%); highest among the groups gnomAD compares: Non-Finnish European, 0.000085%; no homozygotes.

Submission:

SIB Swiss Institute of Bioinformatics
Classification: Uncertain significance for Capillary malformation-arteriovenous malformation 2. Last evaluated: 2019-03-29. Review status: criteria provided, single submitter. Criteria: ACMG Guidelines, 2015. Collection method: curation. Allele origin: unknown.
Comment: This variant is interpreted as Uncertain significance for Capillary malformation-arteriovenous malformation 2. The following ACMG Tag(s) were applied: PP3: Multiple lines of computational evidence support a deleterious effect on the gene or gene product. PM2 downgraded to supporting: Absent from controls (or at extremely low frequency if recessive) in Exome Sequencing Project, 1000 Genomes Project, or Exome Aggregation Consortium. PM1: Located in a mutational hot spot and/or critical and well-established functional domain (e.g.,active site of an enzyme) without benign variation.

Literature cited by the submitters: PubMed 28687708.

NM_004444.5(EPHB4):c.2365C>T (p.Pro789Ser)

Genes: EPHB4 (EPH receptor B4; minus strand), LOC126860124 (CDK7 strongly-dependent group 2 enhancer GRCh37_chr7:100403701-100404900; plus strand). Cytogenetic location: 7q22.1.
Variant type: single nucleotide variant.
Coding change: c.2365C>T on transcript NM_004444.5 (MANE Select); coding-DNA position 2365, C replaced by T.
Protein change: p.Pro789Ser; replaces proline 789 with serine.
Molecular consequence: missense variant.
Genome position (GRCh38, 1-based): chr7:100,806,539, G>A on the plus strand (C>T on the coding strand, the complement: EPHB4 is on the minus strand). VCF-style: chr7-100806539-G-A. GRCh37 (hg19) VCF-style: chr7-100404161-G-A.
Other names: short protein forms P789S.
Identifiers: ClinVar variation 691545 (VCV000691545.1), dbSNP rs1417508111, ClinGen allele CA368567861.